The following is an entry in ClinVar:

ClinVar aggregate classification (germline): Benign/Likely benign. Review status: criteria provided, multiple submitters, no conflicts (2 of 4 stars). 3 submissions from 3 submitters: Benign (1); Likely benign (2). Last evaluated 2026-06-29.

Conditions:
LMBR1-related disorder. Also called: LMBR1-related condition.

Allele frequency attached by ClinVar (database versions not stated): 1000 Genomes Project 0.00100; gnomAD 0.00119 and 0.00128; TOPMed 0.00144; 1000 Genomes Project 30x 0.00078.
gnomAD v4.1: 179 of 152,342 alleles (0.12%); highest among the groups gnomAD compares: African/African-American, 0.42%; no homozygotes.

Submissions (3):

PreventionGenetics, part of Exact Sciences
Classification: Likely benign for LMBR1-related condition. Last evaluated: 2026-06-29. Review status: criteria provided, single submitter. Criteria: ACMG Guidelines, 2015. Collection method: clinical testing. Allele origin: germline.
Comment: This variant is classified as likely benign based on ACMG/AMP sequence variant interpretation guidelines (Richards et al. 2015 PMID: 25741868, with internal and published modifications).

Labcorp Genetics (formerly Invitae), Labcorp
Classification: Benign. Last evaluated: 2025-06-12. Review status: criteria provided, single submitter. Criteria: Invitae Variant Classification Sherloc (09022015). Collection method: clinical testing. Allele origin: germline.

GeneDx
Classification: Likely benign. Last evaluated: 2018-01-30. Review status: criteria provided, single submitter. Criteria: GeneDx Variant Classification (06012015). Collection method: clinical testing. Allele origin: germline. Affected: yes.
Comment: This variant is considered likely benign or benign based on one or more of the following criteria: it is a conservative change, it occurs at a poorly conserved position in the protein, it is predicted to be benign by multiple in silico algorithms, and/or has population frequency not consistent with disease.

NM_022458.4(LMBR1):c.423+5176A>G

Genes: LMBR1 (limb development membrane protein 1; minus strand), ZRS (ZPA regulatory sequence; plus strand). Cytogenetic location: 7q36.3.
Variant type: single nucleotide variant.
Coding change: c.423+5176A>G on transcript NM_022458.4 (MANE Select); 5176 bases into the intron after coding-DNA position 423, A replaced by G.
Molecular consequence: intron variant.
Genome position (GRCh38, 1-based): chr7:156,791,213, T>C on the plus strand (A>G on the coding strand, the complement: LMBR1 is on the minus strand). VCF-style: chr7-156791213-T-C. GRCh37 (hg19) VCF-style: chr7-156583907-T-C.
Other names: c.360+5176A>G (NM_001363412.2); c.144+5176A>G (NM_001350954.2); c.423+5176A>G (NM_001363410.2, NM_001363409.2, NM_001350953.2); c.-112+5176A>G (NM_001350958.2, NM_001350956.2, NM_001350955.2 and 1 more transcripts); c.54+5176A>G (NM_001350957.2, NM_001363411.2).
Identifiers: ClinVar variation 515097 (VCV000515097.7), dbSNP rs140304968, ClinGen allele CA169823451.